The following is an entry in ClinVar:

ClinVar aggregate classification (germline): Pathogenic (1 of 4 stars; one submission).

Submission:

Labcorp Genetics (formerly Invitae), Labcorp
Classification: Pathogenic. Last evaluated: 2022-07-16. Review status: criteria provided, single submitter. Criteria: Invitae Variant Classification Sherloc (09022015). Collection method: clinical testing. Allele origin: germline.
Comment: For these reasons, this variant has been classified as Pathogenic. This variant disrupts a region of the FRMD7 protein in which other variant(s) (p.Gly24Trp) have been determined to be pathogenic (PMID: 18431453). This suggests that this is a clinically significant region of the protein, and that variants that disrupt it are likely to be disease-causing. Disruption of the initiator codon has been observed in individual(s) with nystagmus (PMID: 26268155). It has also been observed to segregate with disease in related individuals. This variant is not present in population databases (gnomAD no frequency). This sequence change affects the initiator methionine of the FRMD7 mRNA. The next in-frame methionine is located at codon 78.

Literature cited by the submitters: PubMed 18431453; PubMed 26268155.

NM_194277.3(FRMD7):c.2T>C (p.Met1Thr)

Gene: FRMD7 (FERM domain containing 7; minus strand). Cytogenetic location: Xq26.2.
Variant type: single nucleotide variant.
Coding change: c.2T>C on transcript NM_194277.3 (MANE Select); coding-DNA position 2, T replaced by C.
Protein change: p.Met1Thr; changes the start codon (methionine 1).
Molecular consequence: missense variant, initiator codon variant.
Genome position (GRCh38, 1-based): chrX:132,127,843, A>G on the plus strand (T>C on the coding strand, the complement: FRMD7 is on the minus strand). VCF-style: chrX-132127843-A-G. GRCh37 (hg19) VCF-style: chrX-131261871-A-G.
Other names: c.2T>C, p.Met1Thr (NM_001306193.2); short protein forms M1T.
Identifiers: ClinVar variation 2017712 (VCV002017712.5), dbSNP rs2520939412, ClinGen allele CA414677302.